The following is an entry in ClinVar:

ClinVar aggregate classification (germline): Uncertain significance. Review status: criteria provided, multiple submitters, no conflicts (2 of 4 stars). 2 submissions from 2 submitters: Uncertain significance (2). Last evaluated 2022-12-02.

Conditions:
Cardiomyopathy (CMYO). Also called: Cardiomyopathies. Identifiers: Orphanet 167848, MedGen C0878544, MONDO:0004994, HP:0001638. Inheritance: Various modes of inheritance.
Hypertrophic cardiomyopathy. Also called: HYPERTROPHIC MYOCARDIOPATHY. Identifiers: Orphanet 217569, MedGen C0007194, MeSH D002312, MONDO:0005045, HP:0001639.

Submissions (2):

Labcorp Genetics (formerly Invitae), Labcorp
Classification: Uncertain significance for Hypertrophic cardiomyopathy. Last evaluated: 2022-12-02. Review status: criteria provided, single submitter. Criteria: Invitae Variant Classification Sherloc (09022015). Collection method: clinical testing. Allele origin: germline.
Comment: In summary, the available evidence is currently insufficient to determine the role of this variant in disease. Therefore, it has been classified as a Variant of Uncertain Significance. Advanced modeling of protein sequence and biophysical properties (such as structural, functional, and spatial information, amino acid conservation, physicochemical variation, residue mobility, and thermodynamic stability) has been performed at Invitae for this missense variant, however the output from this modeling did not meet the statistical confidence thresholds required to predict the impact of this variant on MYH7 protein function. ClinVar contains an entry for this variant (Variation ID: 454381). This variant has not been reported in the literature in individuals affected with MYH7-related conditions. This variant is not present in population databases (gnomAD no frequency). This sequence change replaces alanine, which is neutral and non-polar, with valine, which is neutral and non-polar, at codon 1636 of the MYH7 protein (p.Ala1636Val).

Color Diagnostics, LLC DBA Color Health
Classification: Uncertain significance for Cardiomyopathy. Last evaluated: 2020-06-07. Review status: criteria provided, single submitter. Criteria: ACMG Guidelines, 2015. Collection method: clinical testing. Allele origin: germline.
Comment: This missense variant replaces alanine with valine at codon 1636 of the MYH7 protein. Computational prediction is inconclusive regarding the impact of this variant on protein structure and function (internally defined REVEL score threshold 0.5 < inconclusive < 0.7, PMID: 27666373). To our knowledge, functional studies have not been reported for this variant. This variant has not been reported in individuals affected with cardiovascular disorders in the literature. This variant has not been identified in the general population by the Genome Aggregation Database (gnomAD). The available evidence is insufficient to determine the role of this variant in disease conclusively. Therefore, this variant is classified as a Variant of Uncertain Significance.

NM_000257.4(MYH7):c.4907C>T (p.Ala1636Val)

Genes: MHRT (myosin heavy chain associated RNA transcript; plus strand), MYH7 (myosin heavy chain 7; minus strand), LOC126861897 (BRD4-independent group 4 enhancer GRCh37_chr14:23884455-23885654; plus strand). Cytogenetic location: 14q11.2.
Variant type: single nucleotide variant.
Coding change: c.4907C>T on transcript NM_000257.4 (MANE Select); coding-DNA position 4907, C replaced by T.
Protein change: p.Ala1636Val; replaces alanine 1636 with valine.
Molecular consequence: missense variant. On other transcripts: non-coding transcript variant (1).
Genome position (GRCh38, 1-based): chr14:23,416,050, G>A on the plus strand (C>T on the coding strand, the complement: MYH7 is on the minus strand). VCF-style: chr14-23416050-G-A. GRCh37 (hg19) VCF-style: chr14-23885259-G-A.
Other names: short protein forms A1636V.
Identifiers: ClinVar variation 454381 (VCV000454381.11), dbSNP rs1555336406, ClinGen allele CA389037378.